The following is an entry in ClinVar:

ClinVar aggregate classification (germline): Benign. Review status: criteria provided, multiple submitters, no conflicts (2 of 4 stars). 4 submissions from 4 submitters: Benign (4). Last evaluated 2026-02-03.

Conditions:
Sorsby fundus dystrophy (SFD). Also called: FUNDUS DYSTROPHY, PSEUDOINFLAMMATORY, OF SORSBY; Sorsby fundus dystrophy, Lavia type; MACULAR DYSTROPHY, HEMORRHAGIC. Identifiers: Orphanet 59181, MedGen C1850938, MONDO:0007640, OMIM 136900.

Allele frequency attached by ClinVar (database versions not stated): TOPMed 0.09688; ESP Exome Variant Server 0.06943; gnomAD 0.08189; ExAC 0.10459; gnomAD exomes 0.11254; 1000 Genomes Project 30x 0.14147; 1000 Genomes Project 0.14337.
gnomAD v4.1: 140,511 of 1,612,884 alleles (8.7%); highest among the groups gnomAD compares: East Asian, 36%; 9,212 homozygotes.

Submissions (4):

Labcorp Genetics (formerly Invitae), Labcorp
Classification: Benign. Last evaluated: 2026-02-03. Review status: criteria provided, single submitter. Criteria: Invitae Variant Classification Sherloc (09022015). Collection method: clinical testing. Allele origin: germline.

GeneDx
Classification: Benign. Last evaluated: 2018-11-12. Review status: criteria provided, single submitter. Criteria: GeneDx Variant Classification Process June 2021. Collection method: clinical testing. Allele origin: germline. Affected: yes.
Comment: This variant is associated with the following publications: (PMID: 30281655)

Illumina Laboratory Services, Illumina
Classification: Benign for Sorsby fundus dystrophy. Last evaluated: 2018-01-12. Review status: criteria provided, single submitter. Criteria: ICSL Variant Classification Criteria 13 December 2019. Collection method: clinical testing. Allele origin: germline.
Comment: This variant was observed in the ICSL laboratory as part of a predisposition screen in an ostensibly healthy population. It had not been previously curated by ICSL or reported in the Human Gene Mutation Database (HGMD: prior to June 1st, 2018), and was therefore a candidate for classification through an automated scoring system. Utilizing variant allele frequency, disease prevalence and penetrance estimates, and inheritance mode, an automated score was calculated to assess if this variant is too frequent to cause the disease. Based on the score and internal cut-off values, a variant classified as benign is not then subjected to further curation. The score for this variant resulted in a classification of benign for this disease.

Breakthrough Genomics
Classification: Benign. Review status: criteria provided, single submitter. Criteria: ACMG Guidelines, 2015. Collection method: not provided. Allele origin: germline. Inheritance: Autosomal dominant inheritance. Affected: yes.

NM_000362.5(TIMP3):c.261C>T (p.Ser87=)

Genes: SYN3 (synapsin III; minus strand), TIMP3 (TIMP metallopeptidase inhibitor 3; plus strand). Cytogenetic location: 22q12.3.
Variant type: single nucleotide variant.
Coding change: c.261C>T on transcript NM_000362.5 (MANE Select); coding-DNA position 261, C replaced by T.
Protein change: p.Ser87=; no amino-acid change (serine 87 retained).
Molecular consequence: synonymous variant. On other transcripts: intron variant (7).
Genome position (GRCh38, 1-based): chr22:32,857,305, C>T. VCF-style: chr22-32857305-C-T. GRCh37 (hg19) VCF-style: chr22-33253292-C-T.
Other names: c.708+7610G>A (NM_001369909.1, NM_001135774.2, NM_001369910.1); c.711+7610G>A (NM_001369907.1, NM_003490.4, NM_001369908.1 and 1 more transcripts).
Identifiers: ClinVar variation 341343 (VCV000341343.16), dbSNP rs11547635, ClinGen allele CA10202212.